The following is an entry in ClinVar:

ClinVar aggregate classification (germline): Uncertain significance (1 of 4 stars; one submission).

Conditions:
Inborn genetic diseases. Identifiers: MedGen C0950123, MeSH D030342.

Submission:

Ambry Genetics
Classification: Uncertain significance for Inborn genetic diseases. Last evaluated: 2024-09-30. Review status: criteria provided, single submitter. Criteria: Ambry Variant Classification Scheme 2023. Collection method: clinical testing. Allele origin: germline.
Comment: The p.L366I variant (also known as c.1096C>A), located in coding exon 9 of the BUB1B gene, results from a C to A substitution at nucleotide position 1096. The leucine at codon 366 is replaced by isoleucine, an amino acid with highly similar properties. This amino acid position is conserved. In addition, this alteration is predicted to be tolerated by in silico analysis. Based on the available evidence, the clinical significance of this variant remains unclear.

NM_001211.6(BUB1B):c.1096C>A (p.Leu366Ile)

Gene: BUB1B (BUB1 mitotic checkpoint serine/threonine kinase B; plus strand). Cytogenetic location: 15q15.1.
Variant type: single nucleotide variant.
Coding change: c.1096C>A on transcript NM_001211.6 (MANE Select); coding-DNA position 1096, C replaced by A.
Protein change: p.Leu366Ile; replaces leucine 366 with isoleucine.
Molecular consequence: missense variant.
Genome position (GRCh38, 1-based): chr15:40,196,582, C>A. VCF-style: chr15-40196582-C-A. GRCh37 (hg19) VCF-style: chr15-40488783-C-A.
Other names: short protein forms L366I.
Identifiers: ClinVar variation 3483133 (VCV003483133.1).